The following is an entry in ClinVar:

ClinVar aggregate classification (germline): Uncertain significance (1 of 4 stars; one submission).

Allele frequency attached by ClinVar (database versions not stated): ExAC 0.00002.
gnomAD v4.1: 13 of 1,613,396 alleles (0.00081%); highest among the groups gnomAD compares: South Asian, 0.014%; no homozygotes.

Submission:

GeneDx
Classification: Uncertain significance. Last evaluated: 2023-01-10. Review status: criteria provided, single submitter. Criteria: GeneDx Variant Classification Process June 2021. Collection method: clinical testing. Allele origin: germline. Affected: yes.
Comment: Not observed at significant frequency in large population cohorts (gnomAD); Missense variant in a gene in which most reported pathogenic variants are truncating/loss of function; Has not been previously published as pathogenic or benign to our knowledge; Located in the A-band region of TTN in which the majority of loss of function variants have been associated with autosomal dominant titinopathies (Herman et al., 2012); This variant is associated with the following publications: (PMID: 23975875)

NM_001267550.2(TTN):c.79399G>T (p.Ala26467Ser)

Genes: TTN (titin; minus strand), TTN-AS1 (TTN antisense RNA 1; plus strand). Cytogenetic location: 2q31.2.
Variant type: single nucleotide variant.
Coding change: c.79399G>T on transcript NM_001267550.2 (MANE Select); coding-DNA position 79399, G replaced by T.
Protein change: p.Ala26467Ser; replaces alanine 26467 with serine.
Molecular consequence: missense variant.
Genome position (GRCh38, 1-based): chr2:178,566,733, C>A on the plus strand (G>T on the coding strand, the complement: TTN is on the minus strand). VCF-style: chr2-178566733-C-A. GRCh37 (hg19) VCF-style: chr2-179431460-C-A.
Other names: c.74476G>T, p.Ala24826Ser (NM_001256850.1); c.52204G>T, p.Ala17402Ser (NM_003319.4); c.71695G>T, p.Ala23899Ser (NM_133378.4); c.52579G>T, p.Ala17527Ser (NM_133432.3); c.52780G>T, p.Ala17594Ser (NM_133437.4); short protein forms A17402S, A17527S, A17594S, A23899S, A24826S, A26467S.
Identifiers: ClinVar variation 2571989 (VCV002571989.1), dbSNP rs773008593, ClinGen allele CA1989477.